The following is an entry in ClinVar:

ClinVar aggregate classification (germline): Uncertain significance (1 of 4 stars; one submission).

Conditions:
Hereditary cancer-predisposing syndrome. Also called: Neoplastic Syndromes, Hereditary; Tumor predisposition; Hereditary Cancer Syndrome; Hereditary neoplastic syndrome. Identifiers: Orphanet 140162, MedGen C0027672, MeSH D009386, MONDO:0015356.

Submission:

Ambry Genetics
Classification: Uncertain significance for Hereditary cancer-predisposing syndrome. Last evaluated: 2026-01-09. Review status: criteria provided, single submitter. Criteria: Ambry Variant Classification Scheme 2023. Collection method: clinical testing. Allele origin: germline.
Comment: The c.9256+5T>C intronic variant results from a T to C substitution 5 nucleotides after coding exon 23 in the BRCA2 gene. This nucleotide position is not well conserved in available vertebrate species. In silico splice site analysis predicts that this alteration will not have any significant effect on splicing. Based on the available evidence, the clinical significance of this variant remains unclear.

NM_000059.4(BRCA2):c.9256+5T>C

Gene: BRCA2 (BRCA2 DNA repair associated; plus strand). Cytogenetic location: 13q13.1.
Variant type: single nucleotide variant.
Coding change: c.9256+5T>C on transcript NM_000059.4 (MANE Select); 5 bases into the intron after coding-DNA position 9256, T replaced by C.
Molecular consequence: intron variant.
Genome position (GRCh38, 1-based): chr13:32,380,150, T>C. VCF-style: chr13-32380150-T-C. GRCh37 (hg19) VCF-style: chr13-32954287-T-C.
Other names: c.4324+5T>C (NM_001406721.1); c.2839+5T>C (NM_001406722.1); c.9256+5T>C (NM_001432077.1); c.9205+5T>C (NM_001406720.1); c.9160+5T>C (NM_001406719.1).
Identifiers: ClinVar variation 4842979 (VCV004842979.1).